The following is an entry in ClinVar:

NM_020975.6(RET):c.1717G>A (p.Val573Met)

Gene: RET (ret proto-oncogene; plus strand). Cytogenetic location: 10q11.21.
Variant type: single nucleotide variant.
Coding change: c.1717G>A on transcript NM_020975.6 (MANE Select); coding-DNA position 1717, G replaced by A.
Protein change: p.Val573Met; replaces valine 573 with methionine.
Molecular consequence: missense variant.
Genome position (GRCh38, 1-based): chr10:43,112,921, G>A. VCF-style: chr10-43112921-G-A. GRCh37 (hg19) VCF-style: chr10-43608369-G-A.
Other names: p.Val573Met; c.1717G>A, p.Val573Met (NM_000323.2, NM_001406743.1, NM_001406744.1 and 6 more transcripts); c.955G>A, p.Val319Met (NM_001355216.2); c.1588G>A, p.Val530Met (NM_001406761.1, NM_001406762.1, NM_001406764.1 and 1 more transcripts); c.1429G>A, p.Val477Met (NM_001406766.1, NM_001406767.1, NM_001406770.1); c.1321G>A, p.Val441Met (NM_001406769.1, NM_001406772.1); c.1279G>A, p.Val427Met (NM_001406771.1, NM_001406773.1); c.1192G>A, p.Val398Met (NM_001406774.1); and 6 more; short protein forms V573M, V319M, V231M, V331M, V427M, V477M, V243M, V178M.
Identifiers: ClinVar variation 819914 (VCV000819914.18), dbSNP rs758766818, ClinGen allele CA035206.

ClinVar aggregate classification (germline): Conflicting classifications of pathogenicity. Review status: criteria provided, conflicting classifications (1 of 4 stars). 5 submissions from 5 submitters: Uncertain significance (4); Likely benign (1). Last evaluated 2024-11-17.

Conditions:
Hereditary cancer-predisposing syndrome. Also called: Neoplastic Syndromes, Hereditary; Tumor predisposition; Hereditary Cancer Syndrome; Hereditary neoplastic syndrome. Identifiers: Orphanet 140162, MedGen C0027672, MeSH D009386, MONDO:0015356.
Multiple endocrine neoplasia, type 2 (MEN2). Identifiers: Orphanet 653, MedGen C4048306, MONDO:0019003. Disease mechanism: gain of function.

Allele frequency attached by ClinVar (database versions not stated): TOPMed below 0.00001; gnomAD exomes 0.00002 and 0.00003; gnomAD 0.00003; ExAC 0.00005.
gnomAD v4.1: 17 of 1,614,062 alleles (0.0011%); highest among the groups gnomAD compares: Non-Finnish European, 0.00068%; no homozygotes.

Submissions (5):

Labcorp Genetics (formerly Invitae), Labcorp
Classification: Uncertain significance for Multiple endocrine neoplasia, type 2. Last evaluated: 2024-11-17. Review status: criteria provided, single submitter. Criteria: Invitae Variant Classification Sherloc (09022015). Collection method: clinical testing. Allele origin: germline.
Comment: This sequence change replaces valine, which is neutral and non-polar, with methionine, which is neutral and non-polar, at codon 573 of the RET protein (p.Val573Met). This variant is present in population databases (rs758766818, gnomAD 0.008%). This variant has not been reported in the literature in individuals affected with RET-related conditions. ClinVar contains an entry for this variant (Variation ID: 819914). An algorithm developed to predict the effect of missense changes on protein structure and function (PolyPhen-2) suggests that this variant is likely to be tolerated. In summary, the available evidence is currently insufficient to determine the role of this variant in disease. Therefore, it has been classified as a Variant of Uncertain Significance.

All of Us Research Program, National Institutes of Health
Classification: Uncertain significance for Multiple endocrine neoplasia, type 2. Last evaluated: 2023-11-30. Review status: criteria provided, single submitter. Criteria: ACMG Guidelines, 2015. Collection method: clinical testing. Allele origin: germline. Inheritance: Autosomal dominant inheritance. Observed: 2 variant alleles, 2 heterozygotes.
Comment: This study involves interpretation of variants in research participants for the purpose of population health screening. Participant phenotype was not available at the time of variant classification. Additional details can be found in publication PMID: 35346344, PMCID: PMC8962531

GeneDx
Classification: Uncertain significance. Last evaluated: 2023-08-10. Review status: criteria provided, single submitter. Criteria: GeneDx Variant Classification Process June 2021. Collection method: clinical testing. Allele origin: germline. Affected: yes.
Comment: In silico analysis supports that this missense variant does not alter protein structure/function; Has not been previously published as pathogenic or benign to our knowledge; This variant is associated with the following publications: (PMID: 14633923)

Ambry Genetics
Classification: Likely benign for Hereditary cancer-predisposing syndrome. Last evaluated: 2022-11-30. Review status: criteria provided, single submitter. Criteria: Ambry Variant Classification Scheme 2023. Collection method: clinical testing. Allele origin: germline.

Mayo Clinic Laboratories, Mayo Clinic
Classification: Uncertain significance. Last evaluated: 2022-05-06. Review status: criteria provided, single submitter. Criteria: ACMG Guidelines, 2015. Collection method: clinical testing. Allele origin: germline. Observed: 1 variant allele.

Literature cited by the submitters: PubMed 31428572 (cited by Ambry Genetics).